The following is an entry in ClinVar:

ClinVar aggregate classification (germline): Pathogenic (1 of 4 stars; one submission).

Conditions:
Primary ciliary dyskinesia. Also called: Ciliary dyskinesia. Identifiers: Orphanet 244, MedGen C0008780, MONDO:0016575, HP:0012265.

Submission:

Labcorp Genetics (formerly Invitae), Labcorp
Classification: Pathogenic for Primary ciliary dyskinesia. Last evaluated: 2025-03-13. Review status: criteria provided, single submitter. Criteria: Invitae Variant Classification Sherloc (09022015). Collection method: clinical testing. Allele origin: germline.
Comment: This sequence change creates a premature translational stop signal (p.Lys823Argfs*10) in the RPGR (ORF15) gene. While this is not anticipated to result in nonsense mediated decay, it is expected to disrupt the last 330 amino acid(s) of the RPGR (ORF15) protein. This variant is not present in population databases (gnomAD no frequency). This variant has not been reported in the literature in individuals affected with RPGR (ORF15)-related conditions. This variant disrupts a region of the RPGR (ORF15) protein in which other variant(s) (p.Leu1130*) have been determined to be pathogenic (internal data). This suggests that this is a clinically significant region of the protein, and that variants that disrupt it are likely to be disease-causing. For these reasons, this variant has been classified as Pathogenic.

NM_001034853.2(RPGR):c.2468_2472del (p.Lys823fs)

Gene: RPGR (retinitis pigmentosa GTPase regulator; minus strand). Cytogenetic location: Xp11.4.
Variant type: Deletion.
Coding change: c.2468_2472del on transcript NM_001034853.2 (MANE Select); coding-DNA positions 2468 to 2472, 5 bases deleted (AAGGA; older notation c.2468_2472delAAGGA).
Protein change: p.Lys823fs; shifts the reading frame from lysine 823.
Molecular consequence: frameshift variant. On other transcripts: intron variant (8).
Genome position (GRCh38, 1-based): chrX:38,286,527-38,286,531, TCCTT deleted on the plus strand (AAGGA on the coding strand, the reverse complement: RPGR is on the minus strand); deleting any 5 consecutive bases within chrX:38,286,527-38,286,534 gives the same sequence; the c. name uses the placement nearest the transcript's 3' end. VCF-style (leftmost placement, unchanged base first): chrX-38286526-CTCCTT-C. GRCh37 (hg19) VCF-style: chrX-38145779-CTCCTT-C.
Other names: c.1569+4428_1569+4432del (NM_001367249.1, NM_001367250.1); c.1902+563_1902+567del (NM_001367245.1); c.1386+4428_1386+4432del (NM_001367251.1); c.1719+563_1719+567del (NM_001367246.1); c.1572+4428_1572+4432del (NM_001367247.1); c.1905+563_1905+567del (NM_000328.3); c.1602+4428_1602+4432del (NM_001367248.1); short protein forms K823fs.
Identifiers: ClinVar variation 4714978 (VCV004714978.1).
Genomic context (GRCh38, chrX:38,286,526, plus strand): 5'-CCTCTTCCCCCTCCCCTTCCTCCTCTTCCCCCTCACCCTCCTCCTCTTCCTCTTCCCTCT[CTCCTT>C]TCCCCTCCTCTACTTCCCCTCCCTCTACTTCCCCTCCCTCCTCTTTTTCCTCCCCTCTCC-3'